The following is an entry in ClinVar:

NM_000642.3(AGL):c.3203_3206del (p.Tyr1068fs)

Gene: AGL (amylo-alpha-1,6-glucosidase and 4-alpha-glucanotransferase; plus strand). Cytogenetic location: 1p21.2.
Variant type: Deletion.
Coding change: c.3203_3206del on transcript NM_000642.3 (MANE Select); coding-DNA positions 3203 to 3206, 4 bases deleted (ATAG; older notation c.3203_3206delATAG).
Protein change: p.Tyr1068fs; shifts the reading frame from tyrosine 1068.
Molecular consequence: frameshift variant.
Genome position (GRCh38, 1-based): chr1:99,892,551-99,892,554, ATAG deleted. VCF-style (leftmost placement, unchanged base first): chr1-99892550-TATAG-T. GRCh37 (hg19) VCF-style: chr1-100358106-TATAG-T.
Other names: c.3203_3206del, p.Tyr1068fs (NM_000028.3, NM_000643.3, NM_000644.3 and 1 more transcripts); c.3155_3158del, p.Tyr1052fs (NM_000646.3); c.3182_3185del, p.Tyr1061fs (NM_001425326.1); c.3002_3005del, p.Tyr1001fs (NM_001425327.1); c.2999_3002del, p.Tyr1000fs (NM_001425328.1); c.2864_2867del, p.Tyr955fs (NM_001425329.1); c.2825_2828del, p.Tyr942fs (NM_001425332.1); short protein forms Y1000fs, Y1001fs, Y1052fs, Y1061fs, Y1068fs, Y942fs, Y955fs.
Identifiers: ClinVar variation 3362283 (VCV003362283.3).

ClinVar aggregate classification (germline): Likely pathogenic (1 of 4 stars; one submission).

Conditions:
Glycogen storage disease type III (GSD3). Also called: FORBES DISEASE; Cori disease. Identifiers: Orphanet 366, MedGen C0017922, MONDO:0009291, OMIM 232400.

Submission:

Neuberg Centre For Genomic Medicine, NCGM
Classification: Likely pathogenic for Glycogen storage disease type III. Last evaluated: 2023-06-02. Review status: criteria provided, single submitter. Criteria: ACMG Guidelines, 2015. Collection method: clinical testing. Allele origin: germline. Inheritance: Autosomal recessive inheritance. Affected: yes.
Comment: The observed frameshift variant c.3203_3206del(p.Tyr1068CysfsTer2) in theAGL gene has not been reported previously as a pathogenic variant nor as a benign variant, to our knowledge. This variant has not been reported to the ClinVar database and is novel (not in any individuals) in gnomAD Exomes and 1000 Genomes. This variant causes a frameshift starting with codon Tyrosine 1068, changes this amino acid to Cysteine residue, and creates a premature Stop codon at position 2 of the new reading frame, denoted p.Tyr1068CysfsTer2. This variant is predicted to cause loss of normal protein function through protein truncation. Loss of function variants have been previously reported. For these reasons, this variant has been classified as Likely Pathogenic.